The following is an entry in ClinVar:

ClinVar aggregate classification (germline): Pathogenic. Review status: criteria provided, multiple submitters, no conflicts (2 of 4 stars). 2 submissions from 2 submitters: Pathogenic (2). Last evaluated 2025-05-27.

Conditions:
Hereditary cancer-predisposing syndrome. Also called: Neoplastic Syndromes, Hereditary; Hereditary Cancer Syndrome; Tumor predisposition; Hereditary neoplastic syndrome. Identifiers: Orphanet 140162, MedGen C0027672, MeSH D009386, MONDO:0015356.
Familial adenomatous polyposis 1 (FAP1). Also called: FAMILIAL ADENOMATOUS POLYPOSIS 1, ATTENUATED; POLYPOSIS, ADENOMATOUS INTESTINAL. Identifiers: MedGen C2713442, MONDO:0021056, OMIM 175100. Disease mechanism: loss of function.

Submissions (2):

Color Diagnostics, LLC DBA Color Health
Classification: Pathogenic for Hereditary cancer-predisposing syndrome. Last evaluated: 2025-05-27. Review status: criteria provided, single submitter. Criteria: ACMG Guidelines, 2015. Collection method: clinical testing. Allele origin: germline.
Comment: This variant deletes 5 nucleotides in exon 16 of the APC gene, creating a frameshift and premature translation stop signal. This variant is expected to result in an absent or non-functional protein product. To our knowledge, this variant has not been reported in individuals affected with APC-related disorders in the literature. This variant has not been identified in the general population by the Genome Aggregation Database (gnomAD). Loss of APC function is a known mechanism of disease. Based on the available evidence, this variant is classified as Pathogenic.

Labcorp Genetics (formerly Invitae), Labcorp
Classification: Pathogenic for Familial adenomatous polyposis 1. Last evaluated: 2022-05-07. Review status: criteria provided, single submitter. Criteria: Invitae Variant Classification Sherloc (09022015). Collection method: clinical testing. Allele origin: germline.
Comment: This variant is expected to disrupt the EB1 and HDLG binding sites, which mediate interactions with the cytoskeleton (PMID: 15311282, 17293347). While functional studies have not been performed to directly test the effect on APC protein function, this suggests that disruption of the C-terminal portion of the protein is functionally important. This premature translational stop signal has been observed in individual(s) with familial adenomatous polyposis (PMID: 15951963). This variant is not present in population databases (gnomAD no frequency). This sequence change creates a premature translational stop signal (p.Ile1940Argfs*7) in the APC gene. While this is not anticipated to result in nonsense mediated decay, it is expected to disrupt the last 904 amino acid(s) of the APC protein. A different truncation (p.Tyr2645Lysfs*14) that lies downstream of this variant has been determined to be pathogenic (PMID: 9824584, 1316610, 27081525, 8381579, 22135120, Invitae). This suggests that deletion of this region of the APC protein is causative of disease. For these reasons, this variant has been classified as Pathogenic.

Literature cited by the submitters: PubMed 15311282 (cited by Labcorp Genetics (formerly Invitae), Labcorp); PubMed 17293347 (cited by Labcorp Genetics (formerly Invitae), Labcorp); PubMed 15951963 (cited by Labcorp Genetics (formerly Invitae), Labcorp); PubMed 9824584 (cited by Labcorp Genetics (formerly Invitae), Labcorp); PubMed 1316610 (cited by Labcorp Genetics (formerly Invitae), Labcorp); PubMed 27081525 (cited by Labcorp Genetics (formerly Invitae), Labcorp); PubMed 8381579 (cited by Labcorp Genetics (formerly Invitae), Labcorp); PubMed 22135120 (cited by Labcorp Genetics (formerly Invitae), Labcorp).

NM_000038.6(APC):c.5819_5823del (p.Ile1940fs)

Gene: APC (APC regulator of Wnt signaling pathway; plus strand). Cytogenetic location: 5q22.2.
Variant type: Deletion.
Coding change: c.5819_5823del on transcript NM_000038.6 (MANE Select); coding-DNA positions 5819 to 5823, 5 bases deleted (TACCA; older notation c.5819_5823delTACCA).
Protein change: p.Ile1940fs; shifts the reading frame from isoleucine 1940.
Molecular consequence: frameshift variant.
Genome position (GRCh38, 1-based): chr5:112,841,413-112,841,417, TACCA deleted; deleting any 5 consecutive bases within chr5:112,841,411-112,841,417 gives the same sequence; the c. name uses the placement nearest the transcript's 3' end. VCF-style (leftmost placement, unchanged base first): chr5-112841410-ACATAC-A. GRCh37 (hg19) VCF-style: chr5-112177107-ACATAC-A.
Other names: c.5819_5823del, p.Ile1940fs (NM_001127510.3, NM_001354895.2); c.5765_5769del, p.Ile1922fs (NM_001127511.3); c.5873_5877del, p.Ile1958fs (NM_001354896.2); c.5849_5853del, p.Ile1950fs (NM_001354897.2); c.5744_5748del, p.Ile1915fs (NM_001354898.2); c.5735_5739del, p.Ile1912fs (NM_001354899.2); c.5696_5700del, p.Ile1899fs (NM_001354900.2); c.5642_5646del, p.Ile1881fs (NM_001354901.2); and 16 more; short protein forms I1780fs, I1839fs, I1814fs, I1849fs, I1915fs, I1940fs, I1881fs, I1899fs.
Identifiers: ClinVar variation 1916266 (VCV001916266.5), dbSNP rs2533669710, ClinGen allele CA2580072760.
Genomic context (GRCh38, chr5:112,841,410, plus strand): 5'-ATCGAGGTCAGCCTAAACCCATACTTCAGAAACAATCCACTTTTCCCCAGTCATCCAAAG[ACATAC>A]CAGACAGAGGGGCAGCAACTGATGAAAAGTTACAGAATTTTGCTATTGAAAATACTCCGG-3'